The following is an entry in ClinVar:

ClinVar aggregate classification (germline): Uncertain significance (1 of 4 stars; one submission).

Conditions:
AFF4-related disorder. Also called: AFF4-related condition.

gnomAD v4.1: 2 of 1,614,156 alleles (0.00012%); highest among the groups gnomAD compares: South Asian, 0.0011%; no homozygotes.

Submission:

PreventionGenetics, part of Exact Sciences
Classification: Uncertain significance for AFF4-related condition. Last evaluated: 2024-12-04. Review status: criteria provided, single submitter. Criteria: ACMG Guidelines, 2015. Collection method: clinical testing. Allele origin: germline.
Comment: The AFF4 c.2464A>G variant is predicted to result in the amino acid substitution p.Lys822Glu. To our knowledge, this variant has not been reported in the literature or in a large population database (gnomAD), indicating this variant is rare. At this time, the clinical significance of this variant is uncertain due to the absence of conclusive functional and genetic evidence.

NM_014423.4(AFF4):c.2464A>G (p.Lys822Glu)

Gene: AFF4 (ALF transcription elongation factor 4; minus strand). Cytogenetic location: 5q31.1.
Variant type: single nucleotide variant.
Coding change: c.2464A>G on transcript NM_014423.4 (MANE Select); coding-DNA position 2464, A replaced by G.
Protein change: p.Lys822Glu; replaces lysine 822 with glutamic acid.
Molecular consequence: missense variant.
Genome position (GRCh38, 1-based): chr5:132,892,337, T>C on the plus strand (A>G on the coding strand, the complement: AFF4 is on the minus strand). VCF-style: chr5-132892337-T-C. GRCh37 (hg19) VCF-style: chr5-132228029-T-C.
Other names: short protein forms K822E.
Identifiers: ClinVar variation 4997919 (VCV004997919.1).